The following is an entry in ClinVar:

ClinVar aggregate classification (germline): Pathogenic. Review status: criteria provided, single submitter (1 of 4 stars). 2 submissions from 2 submitters: Pathogenic (1). 1 of the submissions does not count toward it. Last evaluated 2022-04-22.

Conditions:
Glycine encephalopathy 1 (GCE1). Identifiers: MedGen CN376801, MONDO:0958179, OMIM 605899.
Glycine encephalopathy. Also called: Non-ketotic hyperglycinemia; Nonketotic hyperglycinemia. Identifiers: Orphanet 407, MedGen C0751748, MONDO:0011612, HP:0008288.

Submissions (2):

Labcorp Genetics (formerly Invitae), Labcorp
Classification: Pathogenic for Glycine encephalopathy. Last evaluated: 2022-04-22. Review status: criteria provided, single submitter. Criteria: Invitae Variant Classification Sherloc (09022015). Collection method: clinical testing. Allele origin: germline.
Comment: For these reasons, this variant has been classified as Pathogenic. Algorithms developed to predict the effect of sequence changes on RNA splicing suggest that this variant may disrupt the consensus splice site. ClinVar contains an entry for this variant (Variation ID: 557119). Disruption of this splice site has been observed in individual(s) with non-ketotic hyperglycinemia (PMID: 27362913). In at least one individual the data is consistent with being in trans (on the opposite chromosome) from a pathogenic variant. This variant is not present in population databases (gnomAD no frequency). This sequence change affects a donor splice site in intron 15 of the GLDC gene. It is expected to disrupt RNA splicing. Variants that disrupt the donor or acceptor splice site typically lead to a loss of protein function (PMID: 16199547), and loss-of-function variants in GLDC are known to be pathogenic (PMID: 16601880).

Counsyl
Classification: Likely pathogenic for Glycine encephalopathy 1. Last evaluated: 2018-03-09. Review status: no assertion criteria provided. Collection method: clinical testing. Allele origin: unknown. Not counted in ClinVar's aggregate classification.

Literature cited by the submitters: PubMed 27362913 (cited by Labcorp Genetics (formerly Invitae), Labcorp and Counsyl); PubMed 16199547 (cited by Labcorp Genetics (formerly Invitae), Labcorp); PubMed 16601880 (cited by Labcorp Genetics (formerly Invitae), Labcorp).

NM_000170.3(GLDC):c.1850+1G>T

Gene: GLDC (glycine decarboxylase; minus strand). Cytogenetic location: 9p24.1.
Variant type: single nucleotide variant.
Coding change: c.1850+1G>T on transcript NM_000170.3 (MANE Select); the canonical splice donor site of the intron after coding-DNA position 1850, G replaced by T.
Molecular consequence: splice donor variant.
Genome position (GRCh38, 1-based): chr9:6,587,140, C>A on the plus strand (G>T on the coding strand, the complement: GLDC is on the minus strand). VCF-style: chr9-6587140-C-A. GRCh37 (hg19) VCF-style: chr9-6587140-C-A.
Identifiers: ClinVar variation 557119 (VCV000557119.7), dbSNP rs774099283, ClinGen allele CA372891077.